The following is an entry in ClinVar:

NM_001845.6(COL4A1):c.2723A>G (p.His908Arg)

Gene: COL4A1 (collagen type IV alpha 1 chain; minus strand). Cytogenetic location: 13q34.
Variant type: single nucleotide variant.
Coding change: c.2723A>G on transcript NM_001845.6 (MANE Select); coding-DNA position 2723, A replaced by G.
Protein change: p.His908Arg; replaces histidine 908 with arginine.
Molecular consequence: missense variant.
Genome position (GRCh38, 1-based): chr13:110,177,031, T>C on the plus strand (A>G on the coding strand, the complement: COL4A1 is on the minus strand). VCF-style: chr13-110177031-T-C. GRCh37 (hg19) VCF-style: chr13-110829378-T-C.
Other names: short protein forms H908R.
Identifiers: ClinVar variation 2197807 (VCV002197807.5), dbSNP rs1313966443, ClinGen allele CA388667274.
Genomic context (GRCh38, chr13:110,177,031, plus strand): 5'-TCCCCCTTATCACCTTTCAAGCCAGGGTCTCCCCTGGGTCCTGAGGAGCCCGGAAAGCCA[T>C]GGTCCCCTGCAGAGGAAAGAGAAGGCACTGGTGAGCCTGGGCCAGTGTCACAGAGGTGCT-3'
Protein context (NP_001836.3, residues 898-918): APGLPGEKGD[His908Arg]GFPGSSGPRG

ClinVar aggregate classification (germline): Uncertain significance. Review status: criteria provided, multiple submitters, no conflicts (2 of 4 stars). 2 submissions from 2 submitters: Uncertain significance (2). Last evaluated 2024-02-05.

Allele frequency attached by ClinVar (database versions not stated): TOPMed 0.00001.
gnomAD v4.1: 1 of 1,613,928 alleles (0.000062%); highest among the groups gnomAD compares: Admixed American, 0.0017%; no homozygotes.

Submissions (2):

Revvity Omics, Revvity
Classification: Uncertain significance. Last evaluated: 2024-02-05. Review status: criteria provided, single submitter. Criteria: ACMG Guidelines, 2015. Collection method: clinical testing. Allele origin: germline.

Labcorp Genetics (formerly Invitae), Labcorp
Classification: Uncertain significance. Last evaluated: 2023-08-10. Review status: criteria provided, single submitter. Criteria: Invitae Variant Classification Sherloc (09022015). Collection method: clinical testing. Allele origin: germline.
Comment: This sequence change replaces histidine, which is basic and polar, with arginine, which is basic and polar, at codon 908 of the COL4A1 protein (p.His908Arg). This variant is not present in population databases (gnomAD no frequency). This variant has not been reported in the literature in individuals affected with COL4A1-related conditions. ClinVar contains an entry for this variant (Variation ID: 2197807). An algorithm developed to predict the effect of missense changes on protein structure and function (PolyPhen-2) suggests that this variant is likely to be tolerated. In summary, the available evidence is currently insufficient to determine the role of this variant in disease. Therefore, it has been classified as a Variant of Uncertain Significance.